The following is an entry in ClinVar:

NM_002283.4(KRT85):c.793C>T (p.Arg265Cys)

Gene: KRT85 (keratin 85; minus strand). Cytogenetic location: 12q13.13.
Variant type: single nucleotide variant.
Coding change: c.793C>T on transcript NM_002283.4 (MANE Select); coding-DNA position 793, C replaced by T.
Protein change: p.Arg265Cys; replaces arginine 265 with cysteine.
Molecular consequence: missense variant.
Genome position (GRCh38, 1-based): chr12:52,363,404, G>A on the plus strand (C>T on the coding strand, the complement: KRT85 is on the minus strand). VCF-style: chr12-52363404-G-A. GRCh37 (hg19) VCF-style: chr12-52757188-G-A.
Other names: c.157C>T, p.Arg53Cys (NM_001300810.1); short protein forms R265C, R53C.
Identifiers: ClinVar variation 3030125 (VCV003030125.3), dbSNP rs376347432, ClinGen allele CA6578131.

ClinVar aggregate classification (germline): Uncertain significance. Review status: criteria provided, single submitter (1 of 4 stars). 2 submissions from 2 submitters: Uncertain significance (1). 1 of the submissions does not count toward it. Last evaluated 2025-01-27.

Conditions:
KRT85-related disorder. Also called: KRT85-related condition.

Allele frequency attached by ClinVar (database versions not stated): gnomAD exomes 0.00001; TOPMed 0.00001; ExAC 0.00002; gnomAD 0.00002.
gnomAD v4.1: 17 of 1,614,012 alleles (0.0011%); highest among the groups gnomAD compares: East Asian, 0.018%; no homozygotes.

Submissions (2):

Ambry Genetics
Classification: Uncertain significance. Last evaluated: 2025-01-27. Review status: criteria provided, single submitter. Criteria: Ambry Variant Classification Scheme 2023. Collection method: clinical testing. Allele origin: germline.

PreventionGenetics, part of Exact Sciences
Classification: Uncertain significance for KRT85-related condition. Last evaluated: 2024-01-30. Review status: no assertion criteria provided. Collection method: clinical testing. Allele origin: germline. Not counted in ClinVar's aggregate classification.
Comment: The KRT85 c.793C>T variant is predicted to result in the amino acid substitution p.Arg265Cys. To our knowledge, this variant has not been reported in the literature. This variant is reported in 0.027% of alleles in individuals of East Asian descent in gnomAD. At this time, the clinical significance of this variant is uncertain due to the absence of conclusive functional and genetic evidence.